The following is an entry in ClinVar:

NM_000143.4(FH):c.1109-1G>C

Gene: FH (fumarate hydratase; minus strand). Cytogenetic location: 1q43.
Variant type: single nucleotide variant.
Coding change: c.1109-1G>C on transcript NM_000143.4 (MANE Select); the canonical splice acceptor site of the intron before coding-DNA position 1109, G replaced by C.
Molecular consequence: splice acceptor variant.
Genome position (GRCh38, 1-based): chr1:241,502,571, C>G on the plus strand (G>C on the coding strand, the complement: FH is on the minus strand). VCF-style: chr1-241502571-C-G. GRCh37 (hg19) VCF-style: chr1-241665871-C-G.
Identifiers: ClinVar variation 940192 (VCV000940192.8), dbSNP rs1298313966, ClinGen allele CA345437724.

ClinVar aggregate classification (germline): Likely pathogenic (1 of 4 stars; one submission).

Submission:

Labcorp Genetics (formerly Invitae), Labcorp
Classification: Likely pathogenic. Last evaluated: 2019-07-23. Review status: criteria provided, single submitter. Criteria: Invitae Variant Classification Sherloc (09022015). Collection method: clinical testing. Allele origin: germline.
Comment: This variant is not present in population databases (ExAC no frequency). This sequence change affects an acceptor splice site in intron 7 of the FH gene. It is expected to disrupt RNA splicing and likely results in an absent or disrupted protein product. This variant has not been reported in the literature in individuals with FH-related conditions. Donor and acceptor splice site variants typically lead to a loss of protein function (PMID: 16199547), and loss-of-function variants in FH are known to be pathogenic (PMID: 11865300, 21398687). In summary, the currently available evidence indicates that the variant is pathogenic, but additional data are needed to prove that conclusively. Therefore, this variant has been classified as Likely Pathogenic.

Literature cited by the submitters: PubMed 16199547; PubMed 11865300; PubMed 21398687.